The following is an entry in ClinVar:

ClinVar aggregate classification (germline): Uncertain significance (1 of 4 stars; one submission).

Conditions:
Cardiovascular phenotype. Identifiers: MedGen CN230736.

gnomAD v4.1: 1 of 1,613,842 alleles (0.000062%); highest among the groups gnomAD compares: Non-Finnish European, 0.000085%; no homozygotes.

Submission:

Ambry Genetics
Classification: Uncertain significance for Cardiovascular phenotype. Last evaluated: 2022-04-09. Review status: criteria provided, single submitter. Criteria: Ambry Variant Classification Scheme 2023. Collection method: clinical testing. Allele origin: germline.
Comment: The p.P1413S variant (also known as c.4237C>T), located in coding exon 10 of the TNXB gene, results from a C to T substitution at nucleotide position 4237. The proline at codon 1413 is replaced by serine, an amino acid with similar properties. This amino acid position is conserved. In addition, this alteration is predicted to be tolerated by in silico analysis. Since supporting evidence is limited at this time, the clinical significance of this alteration remains unclear.

NM_001365276.2(TNXB):c.4237C>T (p.Pro1413Ser)

Gene: TNXB (tenascin XB; minus strand). Cytogenetic location: 6p21.33.
Variant type: single nucleotide variant.
Coding change: c.4237C>T on transcript NM_001365276.2 (MANE Select); coding-DNA position 4237, C replaced by T.
Protein change: p.Pro1413Ser; replaces proline 1413 with serine.
Molecular consequence: missense variant.
Genome position (GRCh38, 1-based): chr6:32,079,171, G>A on the plus strand (C>T on the coding strand, the complement: TNXB is on the minus strand). VCF-style: chr6-32079171-G-A. GRCh37 (hg19) VCF-style: chr6-32046948-G-A.
Other names: c.4237C>T, p.Pro1413Ser (NM_019105.8); short protein forms P1413S.
Identifiers: ClinVar variation 1738946 (VCV001738946.2), dbSNP rs1779290580, ClinGen allele CA363428484.